The following is an entry in ClinVar:

NM_001267550.2(TTN):c.57558del (p.Val19187fs)

Genes: TTN (titin; minus strand), TTN-AS1 (TTN antisense RNA 1; plus strand). Cytogenetic location: 2q31.2.
Variant type: Deletion.
Coding change: c.57558del on transcript NM_001267550.2 (MANE Select); coding-DNA position 57558, one base deleted (C; older notation c.57558delC).
Protein change: p.Val19187fs; shifts the reading frame from valine 19187.
Molecular consequence: frameshift variant.
Genome position (GRCh38, 1-based): chr2:178,595,796, G deleted on the plus strand (C on the coding strand, the reverse complement: TTN is on the minus strand); the first of 3 consecutive G bases (chr2:178,595,796-178,595,798); deleting any one gives the same sequence. VCF-style (leftmost placement, unchanged base first): chr2-178595795-CG-C. GRCh37 (hg19) VCF-style: chr2-179460522-CG-C.
Other names: c.52635del, p.Val17546fs (NM_001256850.1); c.30363del, p.Val10122fs (NM_003319.4); c.49854del, p.Val16619fs (NM_133378.4); c.30738del, p.Val10247fs (NM_133432.3); c.30939del, p.Val10314fs (NM_133437.4); c.30363delC (NM_003319.4); short protein forms V10314fs, V16619fs, V10247fs, V10122fs, V17546fs, V19187fs.
Identifiers: ClinVar variation 808984 (VCV000808984.50), dbSNP rs1576186406, ClinGen allele CA915942211.
Genomic context (GRCh38, chr2:178,595,795, plus strand): 5'-AAAACCATGTCAGTTTGCAGGACTCATTGGTTAGGTTGTGAGCTAGGAATGGTGTTCCAA[CG>C]GGACCTGGAACATCTGGAAATAAGAAGAAAATAATTCAAGCTGTTTGCCTTCAATGAAAG-3'

ClinVar aggregate classification (germline): Likely pathogenic. Review status: criteria provided, multiple submitters, no conflicts (2 of 4 stars). 3 submissions from 3 submitters: Likely pathogenic (3). Last evaluated 2025-04-21.

Conditions:
Dilated cardiomyopathy 1G (CMD1G). Identifiers: Orphanet 154, MedGen C1858763, MONDO:0011400, OMIM 604145.
Autosomal recessive limb-girdle muscular dystrophy type 2J (LGMDR10). Also called: Limb-girdle muscular dystrophy, type 2J; MUSCULAR DYSTROPHY, LIMB-GIRDLE, AUTOSOMAL RECESSIVE 10. Identifiers: Orphanet 140922, MedGen C1837342, MONDO:0012127, OMIM 608807.
Cardiovascular phenotype. Identifiers: MedGen CN230736.

Submissions (3):

Labcorp Genetics (formerly Invitae), Labcorp
Classification: Likely pathogenic for Dilated cardiomyopathy 1G; Autosomal recessive limb-girdle muscular dystrophy type 2J. Last evaluated: 2025-04-21. Review status: criteria provided, single submitter. Criteria: Invitae Variant Classification Sherloc (09022015). Collection method: clinical testing. Allele origin: germline.
Comment: This sequence change creates a premature translational stop signal (p.Val19187Leufs*6) in the TTN gene. While this is not anticipated to result in nonsense mediated decay, it is expected to create a truncated TTN protein. This variant is not present in population databases (gnomAD no frequency). This variant has not been reported in the literature in individuals affected with TTN-related conditions. ClinVar contains an entry for this variant (Variation ID: 808984). This variant is located in the A band of TTN (PMID: 25589632). Truncating variants in this region are significantly overrepresented in patients affected with dilated cardiomyopathy (PMID: 25589632). Truncating variants in this region have also been reported in individuals affected with autosomal recessive centronuclear myopathy (PMID: 23975875). In summary, the currently available evidence indicates that the variant is pathogenic, but additional data are needed to prove that conclusively. Therefore, this variant has been classified as Likely Pathogenic.

Ambry Genetics
Classification: Likely pathogenic for Cardiovascular phenotype. Last evaluated: 2024-06-18. Review status: criteria provided, single submitter. Criteria: Ambry Variant Classification Scheme 2023. Collection method: clinical testing. Allele origin: germline.
Comment: The c.30363delC variant, located in coding exon 122 of the TTN gene, results from a deletion of one nucleotide at nucleotide position 30363, causing a translational frameshift with a predicted alternate stop codon (p.V10122Lfs*6). This exon is located in the A-band region of the N2-B isoform of the titin protein and is constitutively expressed in TTN transcripts (percent spliced in or PSI 100%). This alteration is expected to result in loss of function by premature protein truncation or nonsense-mediated mRNA decay. While truncating variants in TTN are present in 1-3% of the general population, truncating variants in the A-band are the most common cause of dilated cardiomyopathy (DCM) (Herman DS et al. N. Engl. J. Med., 2012 Feb;366:619-28; Roberts AM et al. Sci Transl Med, 2015 Jan;7:270ra6). TTN truncating variants encoded in constitutive exons (PSI >90%) have been found to be significantly associated with DCM regardless of their position in titin (Schafer S et al. Nat. Genet., 2017 01;49:46-53). This variant is considered to be rare based on population cohorts in the Genome Aggregation Database (gnomAD). Based on the majority of available evidence to date, this variant is likely to be pathogenic.

CeGaT Center for Human Genetics Tuebingen
Classification: Likely pathogenic. Last evaluated: 2016-11-01. Review status: criteria provided, single submitter. Criteria: CeGaT Center For Human Genetics Tuebingen Variant Classification Criteria Version 2. Collection method: clinical testing. Allele origin: germline. Affected: yes. Observed: 1 variant allele.

Literature cited by the submitters: PubMed 25589632 (cited by Labcorp Genetics (formerly Invitae), Labcorp); PubMed 23975875 (cited by Labcorp Genetics (formerly Invitae), Labcorp).